The following is an entry in ClinVar:

ClinVar aggregate classification (germline): Pathogenic (1 of 4 stars; one submission).

Conditions:
Autosomal recessive Alport syndrome (ATS2). Also called: COL4A3-Related Nephropathy; COL4A4 Alport Syndrome and Thin Basement Membrane Nephropathy; ALPORT SYNDROME 2, AUTOSOMAL RECESSIVE; Alport syndrome type 2. Identifiers: Orphanet 63, Orphanet 88919, MedGen C4746745, MONDO:0008762, OMIM 203780.

Submission:

Women's Health and Genetics/Laboratory Corporation of America, LabCorp
Classification: Pathogenic for Autosomal recessive Alport syndrome. Last evaluated: 2026-02-09. Review status: criteria provided, single submitter. Criteria: LabCorp Variant Classification Summary - May 2015. Collection method: clinical testing. Allele origin: germline.
Comment: Variant summary: COL4A3 c.4532_4533delGT (p.Cys1511X) results in a premature termination codon, predicted to cause a truncation of the encoded protein or absence of the protein due to nonsense mediated decay, which are commonly known mechanisms for disease. The variant was absent in 249448 control chromosomes. To our knowledge, no occurrence of c.4532_4533delGT in individuals affected with COL4A3-related conditions and no experimental evidence demonstrating its impact on protein function have been reported. No submitters have cited clinical-significance assessments for this variant to ClinVar. Based on the evidence outlined above, the variant was classified as pathogenic.

NM_000091.5(COL4A3):c.4532_4533del (p.Val1510_Cys1511insTer)

Genes: COL4A3 (collagen type IV alpha 3 chain; plus strand), MFF-DT (MFF divergent transcript; minus strand). Cytogenetic location: 2q36.3.
Variant type: Deletion.
Coding change: c.4532_4533del on transcript NM_000091.5 (MANE Select); coding-DNA positions 4532 to 4533, 2 bases deleted (GT; older notation c.4532_4533delGT).
Protein change: p.Val1510_Cys1511insTer.
Molecular consequence: nonsense.
Genome position (GRCh38, 1-based): chr2:227,308,968-227,308,969, GT deleted; deleting any 2 consecutive bases within chr2:227,308,967-227,308,969 gives the same sequence; the c. name uses the placement nearest the transcript's 3' end. VCF-style (leftmost placement, unchanged base first): chr2-227308966-ATG-A. GRCh37 (hg19) VCF-style: chr2-228173682-ATG-A.
Other names: c.4532_4533delGT (NM_000091.5).
Identifiers: ClinVar variation 4847964 (VCV004847964.1).